The following is an entry in ClinVar:

NM_001256789.3(CACNA1F):c.2554G>A (p.Gly852Ser)

Gene: CACNA1F (calcium voltage-gated channel subunit alpha1 F; minus strand). Cytogenetic location: Xp11.23.
Variant type: single nucleotide variant.
Coding change: c.2554G>A on transcript NM_001256789.3 (MANE Select); coding-DNA position 2554, G replaced by A.
Protein change: p.Gly852Ser; replaces glycine 852 with serine.
Molecular consequence: missense variant.
Genome position (GRCh38, 1-based): chrX:49,219,440, C>T on the plus strand (G>A on the coding strand, the complement: CACNA1F is on the minus strand). VCF-style: chrX-49219440-C-T. GRCh37 (hg19) VCF-style: chrX-49075899-C-T.
Other names: c.2392G>A, p.Gly798Ser (NM_001256790.3); c.2587G>A, p.Gly863Ser (NM_005183.4); short protein forms G798S, G852S, G863S.
Identifiers: ClinVar variation 2135638 (VCV002135638.2), dbSNP rs1297092052, ClinGen allele CA412965419.

ClinVar aggregate classification (germline): Uncertain significance (1 of 4 stars; one submission).

Allele frequency attached by ClinVar (database versions not stated): gnomAD exomes below 0.00001; gnomAD 0.00001; TOPMed below 0.00001.

Submission:

Labcorp Genetics (formerly Invitae), Labcorp
Classification: Uncertain significance. Last evaluated: 2025-03-17. Review status: criteria provided, single submitter. Criteria: Invitae Variant Classification Sherloc (09022015). Collection method: clinical testing. Allele origin: germline.
Comment: This sequence change replaces glycine, which is neutral and non-polar, with serine, which is neutral and polar, at codon 863 of the CACNA1F protein (p.Gly863Ser). The frequency data for this variant in the population databases is considered unreliable, as metrics indicate poor data quality at this position in the gnomAD database. This variant has not been reported in the literature in individuals affected with CACNA1F-related conditions. ClinVar contains an entry for this variant (Variation ID: 2135638). Invitae Evidence Modeling of protein sequence and biophysical properties (such as structural, functional, and spatial information, amino acid conservation, physicochemical variation, residue mobility, and thermodynamic stability) indicates that this missense variant is not expected to disrupt CACNA1F protein function with a negative predictive value of 80%. In summary, the available evidence is currently insufficient to determine the role of this variant in disease. Therefore, it has been classified as a Variant of Uncertain Significance.